The following is an entry in ClinVar:

NM_001396.5(DYRK1A):c.14_16delGAG

Gene: DYRK1A (dual specificity tyrosine phosphorylation regulated kinase 1A; plus strand). Cytogenetic location: 21q22.13.
Variant type: Microsatellite.
Coding change: c.14_16delGAG on transcript NM_001396.5; coding-DNA positions 14 to 16, 3 bases deleted (GAG).
Molecular consequence: splice acceptor variant.
Genome position (GRCh38, 1-based): chr21:37,472,687-37,472,689, GAG deleted; deleting any 3 consecutive bases within chr21:37,472,682-37,472,689 gives the same sequence; the c. name uses the placement nearest the transcript's 3' end. VCF-style (leftmost placement, unchanged base first): chr21-37472681-TAGG-T. GRCh37 (hg19) VCF-style: chr21-38844983-TAGG-T.
Identifiers: ClinVar variation 4887677 (VCV004887677.1).

ClinVar aggregate classification (germline): Uncertain significance (1 of 4 stars; one submission).

Submission:

Women's Health and Genetics/Laboratory Corporation of America, LabCorp
Classification: Uncertain significance. Last evaluated: 2026-06-25. Review status: criteria provided, single submitter. Criteria: LabCorp Variant Classification Summary - May 2015. Collection method: clinical testing. Allele origin: germline.
Comment: Variant summary: DYRK1A c.14_16delGAG (p.Gly5del) results in an in-frame deletion that is predicted to remove one amino acid from the encoded protein. The variant was absent in 237760 control chromosomes (gnomAD). The available data on variant occurrences in the general population are insufficient to allow any conclusion about variant significance. To our knowledge, no occurrence of c.14_16delGAG in individuals affected with DYRK1A-related conditions and no experimental evidence demonstrating its impact on protein function have been reported. No submitters have cited clinical-significance assessments for this variant to ClinVar. Based on the evidence outlined above, the variant was classified as uncertain significance.